The following is an entry in ClinVar:

NM_001308093.3(GATA4):c.116T>G (p.Val39Gly)

Gene: GATA4 (GATA binding protein 4). Cytogenetic location: 8p23.1.
Variant type: single nucleotide variant.
Coding change: c.116T>G on transcript NM_001308093.3 (MANE Select); coding-DNA position 116, T replaced by G.
Protein change: p.Val39Gly; replaces valine 39 with glycine.
Molecular consequence: missense variant. On other transcripts: intron variant (3).
Genome position (GRCh38, 1-based): chr8:11,708,428, T>G. VCF-style: chr8-11708428-T-G. GRCh37 (hg19) VCF-style: chr8-11565937-T-G.
Other names: c.116T>G, p.Val39Gly (NM_002052.5); c.-6+7650T>G (NM_001308094.2); c.-3+414T>G (NM_001374274.1); c.-3+4124T>G (NM_001374273.1); short protein forms V39G.
Identifiers: ClinVar variation 1197120 (VCV001197120.3), dbSNP rs2130067685, ClinGen allele CA370308912.
Genomic context (GRCh38, chr8:11,708,428, plus strand): 5'-AGGCGGGCGGCCCCGGCGCCTTCATGCACGGCGCGGGCGCCGCGTCCTCGCCAGTCTACG[T>G]GCCCACACCGCGGGTGCCCTCCTCCGTGCTGGGCCTGTCCTACCTCCAGGGCGGAGGCGC-3'
Protein context (NP_001295022.1, residues 29-49): GAGAASSPVY[Val39Gly]PTPRVPSSVL

ClinVar aggregate classification (germline): Uncertain significance (1 of 4 stars; one submission).

Submission:

GeneDx
Classification: Uncertain significance. Last evaluated: 2024-06-27. Review status: criteria provided, single submitter. Criteria: GeneDx Variant Classification Process June 2021. Collection method: clinical testing. Allele origin: germline. Affected: yes.
Comment: Not observed at significant frequency in large population cohorts (gnomAD); In silico analysis supports that this missense variant has a deleterious effect on protein structure/function; Has not been previously published as pathogenic or benign to our knowledge